The following is an entry in ClinVar:

NM_182972.3(IRF2BP2):c.1341T>G (p.Val447=)

Gene: IRF2BP2 (interferon regulatory factor 2 binding protein 2; minus strand). Cytogenetic location: 1q42.3.
Variant type: single nucleotide variant.
Coding change: c.1341T>G on transcript NM_182972.3 (MANE Select); coding-DNA position 1341, T replaced by G.
Protein change: p.Val447=; no amino-acid change (valine 447 retained).
Molecular consequence: synonymous variant.
Genome position (GRCh38, 1-based): chr1:234,607,560, A>C on the plus strand (T>G on the coding strand, the complement: IRF2BP2 is on the minus strand). VCF-style: chr1-234607560-A-C. GRCh37 (hg19) VCF-style: chr1-234743306-A-C.
Other names: c.1293T>G, p.Val431= (NM_001077397.1).
Identifiers: ClinVar variation 3357677 (VCV003357677.1).

ClinVar aggregate classification (germline): Likely benign (0 of 4 stars; one submission).

Conditions:
IRF2BP2-related disorder. Also called: IRF2BP2-related condition.

gnomAD v4.1: 7 of 1,614,076 alleles (0.00043%); highest among the groups gnomAD compares: Non-Finnish European, 0.00059%; no homozygotes.

Submission:

PreventionGenetics, part of Exact Sciences
Classification: Likely benign for IRF2BP2-related condition. Last evaluated: 2024-08-05. Review status: no assertion criteria provided. Collection method: clinical testing. Allele origin: germline.
Comment: This variant is classified as likely benign based on ACMG/AMP sequence variant interpretation guidelines (Richards et al. 2015 PMID: 25741868, with internal and published modifications).